The following is an entry in ClinVar:

ClinVar aggregate classification (germline): Pathogenic (1 of 4 stars; one submission).

Conditions:
Charcot-Marie-Tooth disease type 4. Also called: Charcot-Marie-Tooth disease, type IV; Charcot-Marie-Tooth, Type 4. Identifiers: Orphanet 64749, MedGen C4082197, MONDO:0018995.

Allele frequency attached by ClinVar (database versions not stated): gnomAD exomes below 0.00001.

Submission:

Labcorp Genetics (formerly Invitae), Labcorp
Classification: Pathogenic for Charcot-Marie-Tooth disease type 4. Last evaluated: 2023-08-21. Review status: criteria provided, single submitter. Criteria: Invitae Variant Classification Sherloc (09022015). Collection method: clinical testing. Allele origin: germline.
Comment: For these reasons, this variant has been classified as Pathogenic. This variant has not been reported in the literature in individuals affected with SH3TC2-related conditions. This variant is present in population databases (no rsID available, gnomAD 0.003%). This sequence change creates a premature translational stop signal (p.Glu797Serfs*12) in the SH3TC2 gene. It is expected to result in an absent or disrupted protein product. Loss-of-function variants in SH3TC2 are known to be pathogenic (PMID: 20220177, 27068304).

Literature cited by the submitters: PubMed 20220177; PubMed 27068304.

NM_024577.4(SH3TC2):c.2389del (p.Glu797fs)

Gene: SH3TC2 (SH3 domain and tetratricopeptide repeats 2; minus strand). Cytogenetic location: 5q32.
Variant type: Deletion.
Coding change: c.2389del on transcript NM_024577.4 (MANE Select); coding-DNA position 2389, one base deleted (G; older notation c.2389delG).
Protein change: p.Glu797fs; shifts the reading frame from glutamic acid 797.
Molecular consequence: frameshift variant.
Genome position (GRCh38, 1-based): chr5:149,027,343, C deleted on the plus strand (G on the coding strand, the reverse complement: SH3TC2 is on the minus strand). VCF-style (leftmost placement, unchanged base first): chr5-149027342-TC-T. GRCh37 (hg19) VCF-style: chr5-148406905-TC-T.
Other names: short protein forms E797fs.
Identifiers: ClinVar variation 3019247 (VCV003019247.3), dbSNP rs1424688946, ClinGen allele CA563955035.